The following is an entry in ClinVar:

ClinVar aggregate classification (germline): Benign/Likely benign. Review status: criteria provided, multiple submitters, no conflicts (2 of 4 stars). 2 submissions from 2 submitters: Benign (1); Likely benign (1). Last evaluated 2025-07-18.

Conditions:
Intellectual developmental disorder, X-linked 1. Also called: Intellectual disability, X-linked 1; MENTAL RETARDATION, X-LINKED 18; MENTAL RETARDATION, X-LINKED 78; Atkin Flaitz Patil Smith syndrome. Identifiers: Orphanet 777, MedGen C2931498, MONDO:0010656, OMIM 309530.

Allele frequency attached by ClinVar (database versions not stated): TOPMed 0.00014; gnomAD 0.00010 and 0.00011; gnomAD exomes 0.00002 and 0.00001; ExAC 0.00003; ESP Exome Variant Server 0.00009.
gnomAD v4.1: 17 of 1,208,925 alleles (0.0014%); highest among the groups gnomAD compares: African/African-American, 0.03%; no homozygotes.

Submissions (2):

Labcorp Genetics (formerly Invitae), Labcorp
Classification: Benign for Intellectual developmental disorder, X-linked 1. Last evaluated: 2025-07-18. Review status: criteria provided, single submitter. Criteria: Invitae Variant Classification Sherloc (09022015). Collection method: clinical testing. Allele origin: germline.

CeGaT Center for Human Genetics Tuebingen
Classification: Likely benign. Last evaluated: 2023-12-01. Review status: criteria provided, single submitter. Criteria: CeGaT Center For Human Genetics Tuebingen Variant Classification Criteria Version 2. Collection method: clinical testing. Allele origin: germline. Affected: yes. Observed: 1 variant allele.
Comment: IQSEC2: BP4, BP7, BS2

NM_001111125.3(IQSEC2):c.2931G>A (p.Gln977=)

Gene: IQSEC2 (IQ motif and Sec7 domain ArfGEF 2; minus strand). Cytogenetic location: Xp11.22.
Variant type: single nucleotide variant.
Coding change: c.2931G>A on transcript NM_001111125.3 (MANE Select); coding-DNA position 2931, G replaced by A.
Protein change: p.Gln977=; no amino-acid change (glutamine 977 retained).
Molecular consequence: synonymous variant.
Genome position (GRCh38, 1-based): chrX:53,241,868, C>T on the plus strand (G>A on the coding strand, the complement: IQSEC2 is on the minus strand). VCF-style: chrX-53241868-C-T. GRCh37 (hg19) VCF-style: chrX-53271050-C-T.
Other names: c.2316G>A, p.Gln772= (NM_015075.2).
Identifiers: ClinVar variation 1167673 (VCV001167673.31), dbSNP rs140023181, ClinGen allele CA10419874.